The following is an entry in ClinVar:

NM_001605.3(AARS1):c.2446C>T (p.Arg816Trp)

Gene: AARS1 (alanyl-tRNA synthetase 1; minus strand). Cytogenetic location: 16q22.1.
Variant type: single nucleotide variant.
Coding change: c.2446C>T on transcript NM_001605.3 (MANE Select); coding-DNA position 2446, C replaced by T.
Protein change: p.Arg816Trp; replaces arginine 816 with tryptophan.
Molecular consequence: missense variant.
Genome position (GRCh38, 1-based): chr16:70,253,993, G>A on the plus strand (C>T on the coding strand, the complement: AARS1 is on the minus strand). VCF-style: chr16-70253993-G-A. GRCh37 (hg19) VCF-style: chr16-70287896-G-A.
Other names: short protein forms R816W.
Identifiers: ClinVar variation 1682123 (VCV001682123.6), dbSNP rs778478316, ClinGen allele CA8140407.
Genomic context (GRCh38, chr16:70,253,993, plus strand): 5'-CGGCTTTGCTGGCTCGGTCCAAGTCATCCATGACCTTCTTTAGGGATTTGAGAGTCTCCC[G>A]CAATTCATCCTTCTGCCACTGGGGGATGACTGCAGTGGCCAGGGCCTGGAACCAATAGAC-3'
Protein context (NP_001596.2, residues 806-826): VIPQWQKDEL[Arg816Trp]ETLKSLKKVM

ClinVar aggregate classification (germline): Uncertain significance (1 of 4 stars; one submission).

Conditions:
Charcot-Marie-Tooth disease type 2. Also called: Charcot-Marie-Tooth type 2. Identifiers: Orphanet 64746, MedGen C0270914, MONDO:0018993.

Allele frequency attached by ClinVar (database versions not stated): ExAC 0.00001; gnomAD 0.00002; TOPMed 0.00002.
gnomAD v4.1: 10 of 1,614,010 alleles (0.00062%); highest among the groups gnomAD compares: African/African-American, 0.004%; no homozygotes.

Submission:

Labcorp Genetics (formerly Invitae), Labcorp
Classification: Uncertain significance for Charcot-Marie-Tooth disease type 2. Last evaluated: 2025-08-28. Review status: criteria provided, single submitter. Criteria: Invitae Variant Classification Sherloc (09022015). Collection method: clinical testing. Allele origin: germline.
Comment: This sequence change replaces arginine, which is basic and polar, with tryptophan, which is neutral and slightly polar, at codon 816 of the AARS protein (p.Arg816Trp). This variant is present in population databases (rs778478316, gnomAD 0.01%). This variant has not been reported in the literature in individuals affected with AARS-related conditions. ClinVar contains an entry for this variant (Variation ID: 1682123). Invitae Evidence Modeling of protein sequence and biophysical properties (such as structural, functional, and spatial information, amino acid conservation, physicochemical variation, residue mobility, and thermodynamic stability) indicates that this missense variant is not expected to disrupt AARS protein function with a negative predictive value of 80%. In summary, the available evidence is currently insufficient to determine the role of this variant in disease. Therefore, it has been classified as a Variant of Uncertain Significance.